The following is an entry in ClinVar:

NM_000492.4(CFTR):c.1909C>T (p.Gln637Ter)

Gene: CFTR (CF transmembrane conductance regulator; plus strand). Cytogenetic location: 7q31.2.
Variant type: single nucleotide variant.
Coding change: c.1909C>T on transcript NM_000492.4 (MANE Select); coding-DNA position 1909, C replaced by T.
Protein change: p.Gln637Ter; replaces glutamine 637 with a stop codon.
Molecular consequence: nonsense.
Genome position (GRCh38, 1-based): chr7:117,592,076, C>T. VCF-style: chr7-117592076-C-T. GRCh37 (hg19) VCF-style: chr7-117232130-C-T.
Other names: short protein forms Q637*.
Identifiers: ClinVar variation 53413 (VCV000053413.5), dbSNP rs397508320, ClinGen allele CA326713.
Genomic context (GRCh38, chr7:117,592,076, plus strand): 5'-TTAATTTTGCATGAAGGTAGCAGCTATTTTTATGGGACATTTTCAGAACTCCAAAATCTA[C>T]AGCCAGACTTTAGCTCAAAACTCATGGGATGTGATTCTTTCGACCAATTTAGTGCAGAAA-3'

ClinVar aggregate classification (germline): Pathogenic. Review status: criteria provided, single submitter (1 of 4 stars). 2 submissions from 2 submitters: Pathogenic (1). 1 of the submissions does not count toward it. Last evaluated 2023-09-09.

Conditions:
Cystic fibrosis (CF). Also called: MUCOVISCIDOSIS. Identifiers: Orphanet 586, MedGen C0010674, MONDO:0009061, OMIM 219700. Disease mechanism: loss of function.

Submissions (2):

Labcorp Genetics (formerly Invitae), Labcorp
Classification: Pathogenic for Cystic fibrosis. Last evaluated: 2023-09-09. Review status: criteria provided, single submitter. Criteria: Invitae Variant Classification Sherloc (09022015). Collection method: clinical testing. Allele origin: germline.
Comment: For these reasons, this variant has been classified as Pathogenic. Algorithms developed to predict the effect of sequence changes on RNA splicing suggest that this variant may disrupt the consensus splice site. ClinVar contains an entry for this variant (Variation ID: 53413). This premature translational stop signal has been observed in individual(s) with clinical features of cystic fibrosis (PMID: 15480987, 29997923). This variant is not present in population databases (gnomAD no frequency). This sequence change creates a premature translational stop signal (p.Gln637*) in the CFTR gene. It is expected to result in an absent or disrupted protein product. Loss-of-function variants in CFTR are known to be pathogenic (PMID: 1695717, 7691345, 9725922).

ClinVar Staff, National Center for Biotechnology Information (NCBI)
No classification provided. Condition: CFTR-related disorders. Review status: no classification provided. Collection method: literature only. Allele origin: germline. Affected: yes. Not counted in ClinVar's aggregate classification.

Literature cited by the submitters: PubMed 15480987 (cited by Labcorp Genetics (formerly Invitae), Labcorp and ClinVar Staff, National Center for Biotechnology Information (NCBI)); PubMed 29997923 (cited by Labcorp Genetics (formerly Invitae), Labcorp); PubMed 1695717 (cited by Labcorp Genetics (formerly Invitae), Labcorp); PubMed 7691345 (cited by Labcorp Genetics (formerly Invitae), Labcorp); PubMed 9725922 (cited by Labcorp Genetics (formerly Invitae), Labcorp).